The following is an entry in ClinVar:

NM_014264.5(PLK4):c.282T>G (p.Asn94Lys)

Gene: PLK4 (polo like kinase 4; plus strand). Cytogenetic location: 4q28.1.
Variant type: single nucleotide variant.
Coding change: c.282T>G on transcript NM_014264.5 (MANE Select); coding-DNA position 282, T replaced by G.
Protein change: p.Asn94Lys; replaces asparagine 94 with lysine.
Molecular consequence: missense variant.
Genome position (GRCh38, 1-based): chr4:127,883,498, T>G. VCF-style: chr4-127883498-T-G. GRCh37 (hg19) VCF-style: chr4-128804653-T-G.
Other names: c.186T>G, p.Asn62Lys (NM_001190799.2); c.159T>G, p.Asn53Lys (NM_001190801.2); short protein forms N94K, N53K, N62K.
Identifiers: ClinVar variation 1396599 (VCV001396599.4), dbSNP rs1407113341, ClinGen allele CA358167659.

ClinVar aggregate classification (germline): Uncertain significance (1 of 4 stars; one submission).

Allele frequency attached by ClinVar (database versions not stated): gnomAD exomes 0.00001.
gnomAD v4.1: 7 of 1,555,592 alleles (0.00045%); highest among the groups gnomAD compares: South Asian, 0.0078%; no homozygotes.

Submission:

Labcorp Genetics (formerly Invitae), Labcorp
Classification: Uncertain significance. Last evaluated: 2021-12-08. Review status: criteria provided, single submitter. Criteria: Invitae Variant Classification Sherloc (09022015). Collection method: clinical testing. Allele origin: germline.
Comment: This sequence change replaces asparagine, which is neutral and polar, with lysine, which is basic and polar, at codon 94 of the PLK4 protein (p.Asn94Lys). In summary, the available evidence is currently insufficient to determine the role of this variant in disease. Therefore, it has been classified as a Variant of Uncertain Significance. Algorithms developed to predict the effect of missense changes on protein structure and function (SIFT, PolyPhen-2, Align-GVGD) all suggest that this variant is likely to be disruptive. This variant has not been reported in the literature in individuals affected with PLK4-related conditions. This variant is present in population databases (no rsID available, gnomAD 0.007%).